The following is an entry in ClinVar:

ClinVar aggregate classification (germline): Likely benign. Review status: criteria provided, multiple submitters, no conflicts (2 of 4 stars). 6 submissions from 6 submitters: Likely benign (6). Last evaluated 2025-08-20.

Conditions:
Familial sleep-related hypermotor epilepsy. Also called: Autosomal Dominant Sleep-Related Hypermotor (Hyperkinetic) Epilepsy. Identifiers: Orphanet 98784, MedGen C3696898, MONDO:0000030.
Inborn genetic diseases. Identifiers: MedGen C0950123, MeSH D030342.

Allele frequency attached by ClinVar (database versions not stated): gnomAD 0.00002; TOPMed 0.00003; gnomAD exomes 0.00006 and 0.00018; ExAC 0.00009; ESP Exome Variant Server 0.00015.
gnomAD v4.1: 266 of 1,613,792 alleles (0.016%); highest among the groups gnomAD compares: Non-Finnish European, 0.022%; no homozygotes.

Submissions (6):

Labcorp Genetics (formerly Invitae), Labcorp
Classification: Likely benign. Last evaluated: 2025-08-20. Review status: criteria provided, single submitter. Criteria: Invitae Variant Classification Sherloc (09022015). Collection method: clinical testing. Allele origin: germline.

Women's Health and Genetics/Laboratory Corporation of America, LabCorp
Classification: Likely benign. Last evaluated: 2024-03-05. Review status: criteria provided, single submitter. Criteria: LabCorp Variant Classification Summary - May 2015. Collection method: clinical testing. Allele origin: germline.
Comment: Variant summary: CHRNA4 c.1012C>G (p.His338Asp) results in a non-conservative amino acid change located in the Neurotransmitter-gated ion-channel transmembrane domain (IPR006029) of the encoded protein sequence. Five of five in-silico tools predict a damaging effect of the variant on protein function. The variant allele was found at a frequency of 0.00016 in 1613792 control chromosomes. To our knowledge, no occurrence of c.1012C>G in individuals affected with Epilepsy, Nocturnal Frontal Lobe, Type 1 and no experimental evidence demonstrating its impact on protein function have been reported. ClinVar contains an entry for this variant (Variation ID: 205021). Based on the evidence outlined above, the variant was classified as likely benign.

Blueprint Genetics
Classification: Likely benign. Last evaluated: 2023-10-25. Review status: criteria provided, single submitter. Criteria: ACMG Guidelines, 2015. Collection method: clinical testing. Allele origin: germline.

CeGaT Center for Human Genetics Tuebingen
Classification: Likely benign. Last evaluated: 2023-06-01. Review status: criteria provided, single submitter. Criteria: CeGaT Center For Human Genetics Tuebingen Variant Classification Criteria Version 2. Collection method: clinical testing. Allele origin: germline. Affected: yes. Observed: 1 variant allele.
Comment: CHRNA4: BP5

Ambry Genetics
Classification: Likely benign for Inborn genetic diseases. Last evaluated: 2023-03-20. Review status: criteria provided, single submitter. Criteria: Ambry Variant Classification Scheme 2023. Collection method: clinical testing. Allele origin: germline.

GeneDx
Classification: Likely benign. Last evaluated: 2018-03-21. Review status: criteria provided, single submitter. Criteria: GeneDx Variant Classification Process June 2021. Collection method: clinical testing. Allele origin: germline. Affected: yes.

NM_000744.7(CHRNA4):c.1012C>G (p.His338Asp)

Gene: CHRNA4 (cholinergic receptor nicotinic alpha 4 subunit; minus strand). Cytogenetic location: 20q13.33.
Variant type: single nucleotide variant.
Coding change: c.1012C>G on transcript NM_000744.7 (MANE Select); coding-DNA position 1012, C replaced by G.
Protein change: p.His338Asp; replaces histidine 338 with aspartic acid.
Molecular consequence: missense variant. On other transcripts: non-coding transcript variant (1).
Genome position (GRCh38, 1-based): chr20:63,350,399, G>C on the plus strand (C>G on the coding strand, the complement: CHRNA4 is on the minus strand). VCF-style: chr20-63350399-G-C. GRCh37 (hg19) VCF-style: chr20-61981751-G-C.
Other names: p.H338D:CAC>GAC; c.484C>G, p.His162Asp (NM_001256573.2); short protein forms H338D, H162D.
Identifiers: ClinVar variation 205021 (VCV000205021.40), dbSNP rs200069626, ClinGen allele CA313561.